The following is an entry in ClinVar:

NM_000256.3(MYBPC3):c.2061C>T (p.Ile687=)

Gene: MYBPC3 (myosin binding protein C3; minus strand). Cytogenetic location: 11p11.2.
Variant type: single nucleotide variant.
Coding change: c.2061C>T on transcript NM_000256.3 (MANE Select); coding-DNA position 2061, C replaced by T.
Protein change: p.Ile687=; no amino-acid change (isoleucine 687 retained).
Molecular consequence: synonymous variant.
Genome position (GRCh38, 1-based): chr11:47,339,657, G>A on the plus strand (C>T on the coding strand, the complement: MYBPC3 is on the minus strand). VCF-style: chr11-47339657-G-A. GRCh37 (hg19) VCF-style: chr11-47361208-G-A.
Identifiers: ClinVar variation 700238 (VCV000700238.15), dbSNP rs1218888004, ClinGen allele CA474217460.

ClinVar aggregate classification (germline): Likely benign. Review status: criteria provided, multiple submitters, no conflicts (2 of 4 stars). 4 submissions from 4 submitters: Likely benign (4). Last evaluated 2025-07-28.

Conditions:
Cardiovascular phenotype. Identifiers: MedGen CN230736.
Cardiomyopathy (CMYO). Also called: Cardiomyopathies. Identifiers: Orphanet 167848, MedGen C0878544, MONDO:0004994, HP:0001638. Inheritance: Various modes of inheritance.
Hypertrophic cardiomyopathy. Also called: HYPERTROPHIC MYOCARDIOPATHY. Identifiers: Orphanet 217569, MedGen C0007194, MeSH D002312, MONDO:0005045, HP:0001639.

Allele frequency attached by ClinVar (database versions not stated): gnomAD exomes below 0.00001 and 0.00001; TOPMed below 0.00001.
gnomAD v4.1: 7 of 1,598,650 alleles (0.00044%); highest among the groups gnomAD compares: Non-Finnish European, 0.0006%; no homozygotes.

Submissions (4):

Labcorp Genetics (formerly Invitae), Labcorp
Classification: Likely benign for Hypertrophic cardiomyopathy. Last evaluated: 2025-07-28. Review status: criteria provided, single submitter. Criteria: Invitae Variant Classification Sherloc (09022015). Collection method: clinical testing. Allele origin: germline.

All of Us Research Program, National Institutes of Health
Classification: Likely benign for Hypertrophic cardiomyopathy. Last evaluated: 2023-04-28. Review status: criteria provided, single submitter. Criteria: ACMG Guidelines, 2015. Collection method: clinical testing. Allele origin: germline. Inheritance: Autosomal dominant inheritance. Observed: 2 variant alleles, 2 heterozygotes.
Comment: This study involves interpretation of variants in research participants for the purpose of population health screening. Participant phenotype was not available at the time of variant classification. Additional details can be found in publication PMID: 35346344, PMCID: PMC8962531

Color Diagnostics, LLC DBA Color Health
Classification: Likely benign for Cardiomyopathy. Last evaluated: 2019-06-01. Review status: criteria provided, single submitter. Criteria: ACMG Guidelines, 2015. Collection method: clinical testing. Allele origin: germline.

Ambry Genetics
Classification: Likely benign for Cardiovascular phenotype. Last evaluated: 2019-05-17. Review status: criteria provided, single submitter. Criteria: Ambry Variant Classification Scheme 2023. Collection method: clinical testing. Allele origin: germline.